The following is an entry in ClinVar:

ClinVar aggregate classification (germline): Uncertain significance. Review status: criteria provided, multiple submitters, no conflicts (2 of 4 stars). 2 submissions from 2 submitters: Uncertain significance (2). Last evaluated 2026-05-14.

Conditions:
Inborn genetic diseases. Identifiers: MedGen C0950123, MeSH D030342.

gnomAD v4.1: 50 of 1,571,254 alleles (0.0032%); highest among the groups gnomAD compares: Non-Finnish European, 0.0044%; no homozygotes.

Submissions (2):

Ambry Genetics
Classification: Uncertain significance for Inborn genetic diseases. Last evaluated: 2026-05-14. Review status: criteria provided, single submitter. Criteria: Ambry Variant Classification Scheme 2023. Collection method: clinical testing. Allele origin: germline.

Labcorp Genetics (formerly Invitae), Labcorp
Classification: Uncertain significance. Last evaluated: 2024-03-17. Review status: criteria provided, single submitter. Criteria: Invitae Variant Classification Sherloc (09022015). Collection method: clinical testing. Allele origin: germline.
Comment: This sequence change replaces histidine, which is basic and polar, with arginine, which is basic and polar, at codon 180 of the POLR1A protein (p.His180Arg). This variant is present in population databases (rs777316298, gnomAD 0.004%). This variant has not been reported in the literature in individuals affected with POLR1A-related conditions. Algorithms developed to predict the effect of missense changes on protein structure and function output the following: SIFT: "Not Available"; PolyPhen-2: "Benign"; Align-GVGD: "Not Available". The arginine amino acid residue is found in multiple mammalian species, which suggests that this missense change does not adversely affect protein function. In summary, the available evidence is currently insufficient to determine the role of this variant in disease. Therefore, it has been classified as a Variant of Uncertain Significance.

NM_015425.6(POLR1A):c.539A>G (p.His180Arg)

Gene: POLR1A (RNA polymerase I subunit A; minus strand). Cytogenetic location: 2p11.2.
Variant type: single nucleotide variant.
Coding change: c.539A>G on transcript NM_015425.6 (MANE Select); coding-DNA position 539, A replaced by G.
Protein change: p.His180Arg; replaces histidine 180 with arginine.
Molecular consequence: missense variant.
Genome position (GRCh38, 1-based): chr2:86,089,823, T>C on the plus strand (A>G on the coding strand, the complement: POLR1A is on the minus strand). VCF-style: chr2-86089823-T-C. GRCh37 (hg19) VCF-style: chr2-86316946-T-C.
Other names: c.539A>G (NM_015425.3); short protein forms H180R.
Identifiers: ClinVar variation 3607179 (VCV003607179.3).
Genomic context (GRCh38, chr2:86,089,823, plus strand): 5'-GAGGGAAAGTGATAAAATGATGCCCAAAACAGCATGGGAGAAAGACAGTGTTAACTCACA[T>C]GTGCGCCCTGGGACCCCAGGAGGTTGTTCTGCACAATTTCAGTTGTGTATTGTTCTAATT-3'
Protein context (NP_056240.2, residues 170-190): QNNLLGSQGA[His180Arg]VKNVCESKSK